The following is an entry in ClinVar:

NM_002476.2(MYL4):c.471C>G (p.His157Gln)

Gene: MYL4 (myosin light chain 4; plus strand). Cytogenetic location: 17q21.32.
Variant type: single nucleotide variant.
Coding change: c.471C>G on transcript NM_002476.2 (MANE Select); coding-DNA position 471, C replaced by G.
Protein change: p.His157Gln; replaces histidine 157 with glutamine.
Molecular consequence: missense variant.
Genome position (GRCh38, 1-based): chr17:47,221,839, C>G. VCF-style: chr17-47221839-C-G. GRCh37 (hg19) VCF-style: chr17-45299205-C-G.
Other names: c.471C>G, p.His157Gln (NM_001002841.2); short protein forms H157Q.
Identifiers: ClinVar variation 3697464 (VCV003697464.2).

ClinVar aggregate classification (germline): Uncertain significance (1 of 4 stars; one submission).

Conditions:
Atrial fibrillation, familial, 18 (ATFB18). Identifiers: MedGen C4310636, MONDO:0015001, OMIM 617280.

gnomAD v4.1: 2 of 1,613,252 alleles (0.00012%); highest among the groups gnomAD compares: Non-Finnish European, 0.00017%; no homozygotes.

Submission:

Labcorp Genetics (formerly Invitae), Labcorp
Classification: Uncertain significance for Atrial fibrillation, familial, 18. Last evaluated: 2024-07-30. Review status: criteria provided, single submitter. Criteria: Invitae Variant Classification Sherloc (09022015). Collection method: clinical testing. Allele origin: germline.
Comment: This sequence change replaces histidine, which is basic and polar, with glutamine, which is neutral and polar, at codon 157 of the MYL4 protein (p.His157Gln). This variant is not present in population databases (gnomAD no frequency). This variant has not been reported in the literature in individuals affected with MYL4-related conditions. An algorithm developed to predict the effect of missense changes on protein structure and function (PolyPhen-2) suggests that this variant is likely to be disruptive. In summary, the available evidence is currently insufficient to determine the role of this variant in disease. Therefore, it has been classified as a Variant of Uncertain Significance.